The following is an entry in ClinVar:

NM_000719.7(CACNA1C):c.3589C>T (p.Arg1197Trp)

Gene: CACNA1C (calcium voltage-gated channel subunit alpha1 C; plus strand). Cytogenetic location: 12p13.33.
Variant type: single nucleotide variant.
Coding change: c.3589C>T on transcript NM_000719.7 (MANE Select); coding-DNA position 3589, C replaced by T.
Protein change: p.Arg1197Trp; replaces arginine 1197 with tryptophan.
Molecular consequence: missense variant.
Genome position (GRCh38, 1-based): chr12:2,610,571, C>T. VCF-style: chr12-2610571-C-T. GRCh37 (hg19) VCF-style: chr12-2719737-C-T.
Other names: c.3649C>T, p.Arg1217Trp (NM_001129827.2, NM_001129832.2, NM_199460.4); c.3589C>T, p.Arg1197Trp (NM_001129829.2, NM_001129830.3, NM_001129831.2 and 15 more transcripts); c.3580C>T, p.Arg1194Trp (NM_001129844.2); short protein forms R1194W, R1197W, R1217W.
Identifiers: ClinVar variation 3340878 (VCV003340878.3).

ClinVar aggregate classification (germline): Uncertain significance. Review status: criteria provided, multiple submitters, no conflicts (2 of 4 stars). 2 submissions from 2 submitters: Uncertain significance (2). Last evaluated 2025-05-23.

Conditions:
Long QT syndrome (LQTS). Identifiers: MedGen C0023976, MeSH D008133, MONDO:0002442. Disease mechanism: loss of function. Inheritance: Various modes of inheritance.

gnomAD v4.1: 2 of 1,613,968 alleles (0.00012%); highest among the groups gnomAD compares: Non-Finnish European, 0.000085%; no homozygotes.

Submissions (2):

Labcorp Genetics (formerly Invitae), Labcorp
Classification: Uncertain significance for Long QT syndrome. Last evaluated: 2025-05-23. Review status: criteria provided, single submitter. Criteria: Invitae Variant Classification Sherloc (09022015). Collection method: clinical testing. Allele origin: germline.
Comment: This sequence change replaces arginine, which is basic and polar, with tryptophan, which is neutral and slightly polar, at codon 1197 of the CACNA1C protein (p.Arg1197Trp). This variant is not present in population databases (gnomAD no frequency). This variant has not been reported in the literature in individuals affected with CACNA1C-related conditions. ClinVar contains an entry for this variant (Variation ID: 3340878). Invitae Evidence Modeling of protein sequence and biophysical properties (such as structural, functional, and spatial information, amino acid conservation, physicochemical variation, residue mobility, and thermodynamic stability) indicates that this missense variant is expected to disrupt CACNA1C protein function with a positive predictive value of 95%. In summary, the available evidence is currently insufficient to determine the role of this variant in disease. Therefore, it has been classified as a Variant of Uncertain Significance.

GeneDx
Classification: Uncertain significance. Last evaluated: 2024-02-13. Review status: criteria provided, single submitter. Criteria: GeneDx Variant Classification Process June 2021. Collection method: clinical testing. Allele origin: germline. Affected: yes.
Comment: Not observed at significant frequency in large population cohorts (gnomAD); In silico analysis supports that this missense variant has a deleterious effect on protein structure/function; Has not been previously published as pathogenic or benign to our knowledge